The following is an entry in ClinVar:

NM_001374736.1(DST):c.21915G>A (p.Thr7305=)

Gene: DST (dystonin; minus strand). Cytogenetic location: 6p12.1.
Variant type: single nucleotide variant.
Coding change: c.21915G>A on transcript NM_001374736.1 (MANE Select); coding-DNA position 21915, G replaced by A.
Protein change: p.Thr7305=; no amino-acid change (threonine 7305 retained).
Molecular consequence: synonymous variant.
Genome position (GRCh38, 1-based): chr6:56,473,952, C>T on the plus strand (G>A on the coding strand, the complement: DST is on the minus strand). VCF-style: chr6-56473952-C-T. GRCh37 (hg19) VCF-style: chr6-56338750-C-T.
Other names: c.15558G>A (NM_001144769.2); c.15558G>A, p.Thr5186= (NM_001144769.5); c.21915G>A, p.Thr7305= (NM_001374722.1); c.20955G>A, p.Thr6985= (NM_001374729.1); c.14697G>A, p.Thr4899= (NM_001374730.1); c.21942G>A, p.Thr7314= (NM_001374734.1); c.15024G>A, p.Thr5008= (NM_001386100.1, NM_183380.4); c.14046G>A, p.Thr4682= (NM_015548.5); and 1 more.
Identifiers: ClinVar variation 1147602 (VCV001147602.11), dbSNP rs906093081, ClinGen allele CA139170798.

ClinVar aggregate classification (germline): Likely benign. Review status: criteria provided, multiple submitters, no conflicts (2 of 4 stars). 3 submissions from 3 submitters: Likely benign (3). Last evaluated 2026-05-19.

Conditions:
DST-related disorder. Also called: DST-related condition; DST-related disorders.
Epidermolysis bullosa simplex 3, localized or generalized intermediate, with BP230 deficiency (EBS3). Also called: Epidermolysis bullosa simplex, autosomal recessive 2; Epidermolysis bullosa simplex due to BP230 deficiency. Identifiers: Orphanet 412181, MedGen C3809470, MONDO:0014180, OMIM 615425.
Hereditary sensory and autonomic neuropathy type 6. Also called: Neuropathy, hereditary sensory and autonomic, type VI; HSAN VI. Identifiers: Orphanet 314381, MedGen C3539003, MONDO:0013839, OMIM 614653.

Allele frequency attached by ClinVar (database versions not stated): TOPMed 0.00005; gnomAD 0.00006.
gnomAD v4.1: 35 of 1,585,962 alleles (0.0022%); highest among the groups gnomAD compares: African/African-American, 0.017%; no homozygotes.

Submissions (3):

PreventionGenetics, part of Exact Sciences
Classification: Likely benign for DST-related condition. Last evaluated: 2026-05-19. Review status: criteria provided, single submitter. Criteria: ACMG Guidelines, 2015. Collection method: clinical testing. Allele origin: germline.
Comment: This variant is classified as likely benign based on ACMG/AMP sequence variant interpretation guidelines (Richards et al. 2015 PMID: 25741868, with internal and published modifications).

Labcorp Genetics (formerly Invitae), Labcorp
Classification: Likely benign for Epidermolysis bullosa simplex 3, localized or generalized intermediate, with BP230 deficiency; Hereditary sensory and autonomic neuropathy type 6. Last evaluated: 2025-09-25. Review status: criteria provided, single submitter. Criteria: Invitae Variant Classification Sherloc (09022015). Collection method: clinical testing. Allele origin: germline.

Blueprint Genetics
Classification: Likely benign. Last evaluated: 2023-09-18. Review status: criteria provided, single submitter. Criteria: ACMG Guidelines, 2015. Collection method: clinical testing. Allele origin: germline.